The following is an entry in ClinVar:

NM_004104.5(FASN):c.2071G>A (p.Ala691Thr)

Gene: FASN (fatty acid synthase; minus strand). Cytogenetic location: 17q25.3.
Variant type: single nucleotide variant.
Coding change: c.2071G>A on transcript NM_004104.5 (MANE Select); coding-DNA position 2071, G replaced by A.
Protein change: p.Ala691Thr; replaces alanine 691 with threonine.
Molecular consequence: missense variant.
Genome position (GRCh38, 1-based): chr17:82,089,279, C>T on the plus strand (G>A on the coding strand, the complement: FASN is on the minus strand). VCF-style: chr17-82089279-C-T. GRCh37 (hg19) VCF-style: chr17-80047155-C-T.
Other names: short protein forms A691T.
Identifiers: ClinVar variation 1903320 (VCV001903320.5), dbSNP rs17848929, ClinGen allele CA295135040.
Genomic context (GRCh38, chr17:82,089,279, plus strand): 5'-GCCCCGCACCCCCCAGGCCGTATTAGTCCACCTTCTTGAGCTCCTGCAGCAGTGGGGGTG[C>T]GATGGCCTCCATGAAGTAGGAGTGGAAGGCCATACCGCCGGTCCGCACCTCCTTGGCAAA-3'
Protein context (NP_004095.4, residues 681-701): AFHSYFMEAI[Ala691Thr]PPLLQELKKV

ClinVar aggregate classification (germline): Uncertain significance (1 of 4 stars; one submission).

Conditions:
Epileptic encephalopathy. Identifiers: MedGen C0543888, HP:0200134.

Allele frequency attached by ClinVar (database versions not stated): gnomAD exomes below 0.00001; TOPMed below 0.00001; gnomAD 0.00001.
gnomAD v4.1: 7 of 1,612,570 alleles (0.00043%); highest among the groups gnomAD compares: African/African-American, 0.0013%; no homozygotes.

Submission:

Labcorp Genetics (formerly Invitae), Labcorp
Classification: Uncertain significance for Epileptic encephalopathy. Last evaluated: 2024-11-11. Review status: criteria provided, single submitter. Criteria: Invitae Variant Classification Sherloc (09022015). Collection method: clinical testing. Allele origin: germline.
Comment: This sequence change replaces alanine, which is neutral and non-polar, with threonine, which is neutral and polar, at codon 691 of the FASN protein (p.Ala691Thr). This variant is present in population databases (rs17848929, gnomAD 0.004%). This variant has not been reported in the literature in individuals affected with FASN-related conditions. ClinVar contains an entry for this variant (Variation ID: 1903320). An algorithm developed to predict the effect of missense changes on protein structure and function (PolyPhen-2) suggests that this variant is likely to be disruptive. In summary, the available evidence is currently insufficient to determine the role of this variant in disease. Therefore, it has been classified as a Variant of Uncertain Significance.